The following is an entry in ClinVar:

ClinVar aggregate classification (germline): Uncertain significance. Review status: criteria provided, multiple submitters, no conflicts (2 of 4 stars). 3 submissions from 3 submitters: Uncertain significance (2). 1 of the submissions does not count toward it. Last evaluated 2025-06-05.

Conditions:
Primary ciliary dyskinesia. Also called: Ciliary dyskinesia. Identifiers: Orphanet 244, MedGen C0008780, MONDO:0016575, HP:0012265.
DNAH8-related disorder. Also called: DNAH8-related condition.

Allele frequency attached by ClinVar (database versions not stated): ExAC 0.00008; gnomAD exomes 0.00008; ESP Exome Variant Server 0.00015; gnomAD 0.00017 and 0.00020; TOPMed 0.00023.
gnomAD v4.1: 68 of 1,601,410 alleles (0.0042%); highest among the groups gnomAD compares: African/African-American, 0.055%; no homozygotes.

Submissions (3):

Labcorp Genetics (formerly Invitae), Labcorp
Classification: Uncertain significance for Primary ciliary dyskinesia. Last evaluated: 2025-06-05. Review status: criteria provided, single submitter. Criteria: Invitae Variant Classification Sherloc (09022015). Collection method: clinical testing. Allele origin: germline.
Comment: This sequence change replaces phenylalanine, which is neutral and non-polar, with leucine, which is neutral and non-polar, at codon 2657 of the DNAH8 protein (p.Phe2657Leu). This variant is present in population databases (rs372849137, gnomAD 0.08%). This variant has not been reported in the literature in individuals affected with DNAH8-related conditions. ClinVar contains an entry for this variant (Variation ID: 525447). Invitae Evidence Modeling of protein sequence and biophysical properties (such as structural, functional, and spatial information, amino acid conservation, physicochemical variation, residue mobility, and thermodynamic stability) indicates that this missense variant is not expected to disrupt DNAH8 protein function with a negative predictive value of 80%. In summary, the available evidence is currently insufficient to determine the role of this variant in disease. Therefore, it has been classified as a Variant of Uncertain Significance.

Ambry Genetics
Classification: Uncertain significance. Last evaluated: 2024-08-11. Review status: criteria provided, single submitter. Criteria: Ambry Variant Classification Scheme 2023. Collection method: clinical testing. Allele origin: germline.

PreventionGenetics, part of Exact Sciences
Classification: Uncertain significance for DNAH8-related condition. Last evaluated: 2024-07-24. Review status: no assertion criteria provided. Collection method: clinical testing. Allele origin: germline. Not counted in ClinVar's aggregate classification.
Comment: The DNAH8 c.7969T>C variant is predicted to result in the amino acid substitution p.Phe2657Leu. To our knowledge, this variant has not been reported in the literature. This variant is reported in 0.078% of alleles in individuals of African descent in gnomAD. Although we suspect that this variant may be benign, at this time, the clinical significance of this variant is uncertain due to the absence of conclusive functional and genetic evidence.

NM_001206927.2(DNAH8):c.7969T>C (p.Phe2657Leu)

Gene: DNAH8 (dynein axonemal heavy chain 8; plus strand). Cytogenetic location: 6p21.2.
Variant type: single nucleotide variant.
Coding change: c.7969T>C on transcript NM_001206927.2 (MANE Select); coding-DNA position 7969, T replaced by C.
Protein change: p.Phe2657Leu; replaces phenylalanine 2657 with leucine.
Molecular consequence: missense variant.
Genome position (GRCh38, 1-based): chr6:38,883,020, T>C. VCF-style: chr6-38883020-T-C. GRCh37 (hg19) VCF-style: chr6-38850796-T-C.
Other names: c.7318T>C, p.Phe2440Leu (NM_001371.4); short protein forms F2657L, F2440L.
Identifiers: ClinVar variation 525447 (VCV000525447.14), dbSNP rs372849137, ClinGen allele CA3790053.